The following is an entry in ClinVar:

NM_005591.4(MRE11):c.1010T>G (p.Leu337Trp)

Gene: MRE11 (MRE11 double strand break repair nuclease; minus strand). Cytogenetic location: 11q21.
Variant type: single nucleotide variant.
Coding change: c.1010T>G on transcript NM_005591.4 (MANE Select); coding-DNA position 1010, T replaced by G.
Protein change: p.Leu337Trp; replaces leucine 337 with tryptophan.
Molecular consequence: missense variant.
Genome position (GRCh38, 1-based): chr11:94,470,478, A>C on the plus strand (T>G on the coding strand, the complement: MRE11 is on the minus strand). VCF-style: chr11-94470478-A-C. GRCh37 (hg19) VCF-style: chr11-94203644-A-C.
Other names: c.1010T>G, p.Leu337Trp (NM_001330347.2, NM_005590.4); short protein forms L337W.
Identifiers: ClinVar variation 3912898 (VCV003912898.1).

ClinVar aggregate classification (germline): Uncertain significance (1 of 4 stars; one submission).

Conditions:
Hereditary cancer-predisposing syndrome. Also called: Hereditary Cancer Syndrome; Hereditary neoplastic syndrome; Neoplastic Syndromes, Hereditary; Tumor predisposition. Identifiers: Orphanet 140162, MedGen C0027672, MeSH D009386, MONDO:0015356.

Submission:

Ambry Genetics
Classification: Uncertain significance for Hereditary cancer-predisposing syndrome. Last evaluated: 2025-06-14. Review status: criteria provided, single submitter. Criteria: Ambry Variant Classification Scheme 2023. Collection method: clinical testing. Allele origin: germline.
Comment: The p.L337W variant (also known as c.1010T>G), located in coding exon 8 of the MRE11A gene, results from a T to G substitution at nucleotide position 1010. The leucine at codon 337 is replaced by tryptophan, an amino acid with similar properties. This amino acid position is conserved. In addition, this alteration is predicted to be tolerated by in silico analysis. Based on the available evidence, the clinical significance of this variant remains unclear.